The following is an entry in ClinVar:

ClinVar aggregate classification (germline): Conflicting classifications of pathogenicity. Review status: criteria provided, conflicting classifications (1 of 4 stars). 11 submissions from 11 submitters: Uncertain significance (1); Benign (4); Likely benign (3). 3 of the submissions do not count toward it. Last evaluated 2026-08-01.

Conditions:
PRICKLE1-related disorder. Also called: PRICKLE1-Related Disorders; PRICKLE1-related condition. Identifiers: MedGen CN381536.
Epilepsy, progressive myoclonic, 1B. Also called: PME. Identifiers: Orphanet 308, MedGen C2676254, MONDO:0012904, OMIM 612437.

Allele frequency attached by ClinVar (database versions not stated): 1000 Genomes Project 30x 0.00109; 1000 Genomes Project 0.00120; TOPMed 0.00232; gnomAD exomes 0.00249; ExAC 0.00254; gnomAD 0.00292 and 0.00302; ESP Exome Variant Server 0.00377.
gnomAD v4.1: 6,075 of 1,614,046 alleles (0.38%); highest among the groups gnomAD compares: Non-Finnish European, 0.46%; 31 homozygotes.

Submissions (11):

CeGaT Center for Human Genetics Tuebingen
Classification: Likely benign. Last evaluated: 2026-08-01. Review status: criteria provided, single submitter. Criteria: CeGaT Center For Human Genetics Tuebingen Variant Classification Criteria Version 2. Collection method: clinical testing. Allele origin: germline. Affected: yes. Observed: 18 variant alleles.
Comment: PRICKLE1: BP4, BP7, BS2

Labcorp Genetics (formerly Invitae), Labcorp
Classification: Benign for Epilepsy, progressive myoclonic, 1B. Last evaluated: 2026-02-03. Review status: criteria provided, single submitter. Criteria: Invitae Variant Classification Sherloc (09022015). Collection method: clinical testing. Allele origin: germline.

Blueprint Genetics
Classification: Likely benign. Last evaluated: 2024-11-27. Review status: criteria provided, single submitter. Criteria: ACMG Guidelines, 2015. Collection method: clinical testing. Allele origin: germline.

Athena Diagnostics
Classification: Benign. Last evaluated: 2024-02-06. Review status: criteria provided, single submitter. Criteria: Athena Diagnostics Criteria. Collection method: clinical testing. Allele origin: unknown.

Ambry Genetics
Classification: Likely benign. Last evaluated: 2018-08-07. Review status: criteria provided, single submitter. Criteria: Ambry Variant Classification Scheme 2023. Collection method: clinical testing. Allele origin: germline.

Eurofins Ntd Llc (ga)
Classification: Benign. Last evaluated: 2015-09-01. Review status: criteria provided, single submitter. Criteria: EGL Classification Definitions 2015. Collection method: clinical testing. Allele origin: germline. Observed: 3 variant alleles, 3 heterozygotes.

Genetic Services Laboratory, University of Chicago
Classification: Uncertain significance. Last evaluated: 2013-10-09. Review status: criteria provided, single submitter. Criteria: ACMG Guidelines, 2007. Collection method: clinical testing. Allele origin: germline. Inheritance: Autosomal recessive inheritance.

GeneDx
Classification: Benign. Last evaluated: 2013-03-19. Review status: criteria provided, single submitter. Criteria: GeneDx Variant Classification (06012015). Collection method: clinical testing. Allele origin: germline. Affected: yes.
Comment: This variant is considered likely benign or benign based on one or more of the following criteria: it is a conservative change, it occurs at a poorly conserved position in the protein, it is predicted to be benign by multiple in silico algorithms, and/or has population frequency not consistent with disease.

PreventionGenetics, part of Exact Sciences
Classification: Likely benign for PRICKLE1-related condition. Last evaluated: 2020-07-06. Review status: no assertion criteria provided. Collection method: clinical testing. Allele origin: germline. Not counted in ClinVar's aggregate classification.
Comment: This variant is classified as likely benign based on ACMG/AMP sequence variant interpretation guidelines (Richards et al. 2015 PMID: 25741868, with internal and published modifications).

Clinical Genetics DNA and cytogenetics Diagnostics Lab, Erasmus MC, Erasmus Medical Center
Classification: Likely benign. Review status: no assertion criteria provided. Collection method: clinical testing. Allele origin: germline. Affected: yes. Study: VKGL Data-share Consensus. Not counted in ClinVar's aggregate classification.

Genome Diagnostics Laboratory, University Medical Center Utrecht
Classification: Likely benign. Review status: no assertion criteria provided. Collection method: clinical testing. Allele origin: germline. Affected: yes. Study: VKGL Data-share Consensus. Not counted in ClinVar's aggregate classification.

NM_153026.3(PRICKLE1):c.114G>A (p.Pro38=)

Gene: PRICKLE1 (prickle planar cell polarity protein 1; minus strand). Cytogenetic location: 12q12.
Variant type: single nucleotide variant.
Coding change: c.114G>A on transcript NM_153026.3 (MANE Select); coding-DNA position 114, G replaced by A.
Protein change: p.Pro38=; no amino-acid change (proline 38 retained).
Molecular consequence: synonymous variant.
Genome position (GRCh38, 1-based): chr12:42,472,403, C>T on the plus strand (G>A on the coding strand, the complement: PRICKLE1 is on the minus strand). VCF-style: chr12-42472403-C-T. GRCh37 (hg19) VCF-style: chr12-42866205-C-T.
Other names: p.P38P:CCG>CCA; c.114G>A, p.Pro38= (NM_001144881.2, NM_001144882.2, NM_001144883.2).
Identifiers: ClinVar variation 96505 (VCV000096505.63), dbSNP rs141743294, ClinGen allele CA224188.